The following is an entry in ClinVar:

ClinVar aggregate classification (germline): Benign/Likely benign. Review status: criteria provided, multiple submitters, no conflicts (2 of 4 stars). 3 submissions from 3 submitters: Benign (1); Likely benign (2). Last evaluated 2026-05-19.

Conditions:
Neurofibromatosis, type 1 (NF1). Also called: Peripheral type neurofibromatosis; NEUROFIBROMATOSIS, TYPE I, SOMATIC; VON RECKLINGHAUSEN DISEASE; Neurofibromatosis, type I. Identifiers: Orphanet 636, MedGen C0027831, MONDO:0018975, OMIM 162200. Disease mechanism: loss of function.
Cardiovascular phenotype. Identifiers: MedGen CN230736.
Hereditary cancer-predisposing syndrome. Also called: Neoplastic Syndromes, Hereditary; Tumor predisposition; Hereditary Cancer Syndrome; Hereditary neoplastic syndrome. Identifiers: Orphanet 140162, MedGen C0027672, MeSH D009386, MONDO:0015356.

Submissions (3):

Myriad Genetics, Inc.
Classification: Benign for Neurofibromatosis, type 1. Last evaluated: 2026-05-19. Review status: criteria provided, single submitter. Criteria: Myriad Autosomal Dominant, Autosomal Recessive and X-Linked Classification Criteria (2023). Collection method: clinical testing. Allele origin: unknown.
Comment: This variant is considered benign. This variant is a silent/synonymous amino acid change and it is not expected to impact splicing.

Labcorp Genetics (formerly Invitae), Labcorp
Classification: Likely benign for Neurofibromatosis, type 1. Last evaluated: 2024-05-02. Review status: criteria provided, single submitter. Criteria: Invitae Variant Classification Sherloc (09022015). Collection method: clinical testing. Allele origin: germline.

Ambry Genetics
Classification: Likely benign for Cardiovascular phenotype; Hereditary cancer-predisposing syndrome. Last evaluated: 2021-08-17. Review status: criteria provided, single submitter. Criteria: Ambry Variant Classification Scheme 2023. Collection method: clinical testing. Allele origin: germline.

NM_001042492.3(NF1):c.4242C>T (p.Ile1414=)

Gene: NF1 (neurofibromin 1; plus strand). Cytogenetic location: 17q11.2.
Variant type: single nucleotide variant.
Coding change: c.4242C>T on transcript NM_001042492.3 (MANE Select); coding-DNA position 4242, C replaced by T.
Protein change: p.Ile1414=; no amino-acid change (isoleucine 1414 retained).
Molecular consequence: synonymous variant.
Genome position (GRCh38, 1-based): chr17:31,258,412, C>T. VCF-style: chr17-31258412-C-T. GRCh37 (hg19) VCF-style: chr17-29585430-C-T.
Other names: c.4179C>T, p.Ile1393= (NM_000267.4).
Identifiers: ClinVar variation 1157650 (VCV001157650.10), dbSNP rs2151461973, ClinGen allele CA499233455.